The following is an entry in ClinVar:

ClinVar aggregate classification (germline): Uncertain significance (1 of 4 stars; one submission).

Submission:

GeneDx
Classification: Uncertain significance. Last evaluated: 2025-05-22. Review status: criteria provided, single submitter. Criteria: GeneDx Variant Classification Process June 2021. Collection method: clinical testing. Allele origin: germline. Affected: yes.
Comment: Not observed at significant frequency in large population cohorts (gnomAD); In silico analysis supports that this missense variant has a deleterious effect on protein structure/function; Has not been previously published as pathogenic or benign to our knowledge

NM_002025.4(AFF2):c.2147C>T (p.Ser716Phe)

Gene: AFF2 (ALF transcription elongation factor 2; plus strand). Cytogenetic location: Xq28.
Variant type: single nucleotide variant.
Coding change: c.2147C>T on transcript NM_002025.4 (MANE Select); coding-DNA position 2147, C replaced by T.
Protein change: p.Ser716Phe; replaces serine 716 with phenylalanine.
Molecular consequence: missense variant.
Genome position (GRCh38, 1-based): chrX:148,956,192, C>T. VCF-style: chrX-148956192-C-T. GRCh37 (hg19) VCF-style: chrX-148037722-C-T.
Other names: c.2048C>T, p.Ser683Phe (NM_001169122.2); c.2117C>T, p.Ser706Phe (NM_001169123.2); c.2042C>T, p.Ser681Phe (NM_001169124.2); c.2030C>T, p.Ser677Phe (NM_001169125.2); c.1070C>T, p.Ser357Phe (NM_001170628.1); short protein forms S357F, S677F, S681F, S683F, S706F, S716F.
Identifiers: ClinVar variation 4531103 (VCV004531103.1).
Genomic context (GRCh38, chrX:148,956,192, plus strand): 5'-AGTACAGAGGGCCTGGCAAGATTGTGCCAAAGTCTCGGGAATTCATTGAAACAGATTCAT[C>T]TACATCTGACTCCAACACAGATCAGGAAGAGACCCTGCAAATCAAAGTCCTGCCTCCGTG-3'
Protein context (NP_002016.2, residues 706-726): KSREFIETDS[Ser716Phe]TSDSNTDQEE